The following is an entry in ClinVar:

ClinVar aggregate classification (germline): Uncertain significance (1 of 4 stars; one submission).

Conditions:
Progressive familial heart block type IB (PFHB1B). Identifiers: Orphanet 871, MedGen C1970298, MONDO:0011474, OMIM 604559.

Submission:

Labcorp Genetics (formerly Invitae), Labcorp
Classification: Uncertain significance for Progressive familial heart block type IB. Last evaluated: 2021-10-05. Review status: criteria provided, single submitter. Criteria: Invitae Variant Classification Sherloc (09022015). Collection method: clinical testing. Allele origin: germline.
Comment: This variant is not present in population databases (ExAC no frequency). This sequence change creates a premature translational stop signal (p.Gly494Glufs*14) in the TRPM4 gene. It is expected to result in an absent or disrupted protein product. However, the current clinical and genetic evidence is not sufficient to establish whether loss-of-function variants in TRPM4 cause disease. This variant has not been reported in the literature in individuals affected with TRPM4-related conditions. In summary, the available evidence is currently insufficient to determine the role of this variant in disease. Therefore, it has been classified as a Variant of Uncertain Significance.

NM_017636.4(TRPM4):c.1481del (p.Gly494fs)

Gene: TRPM4 (transient receptor potential cation channel subfamily M member 4; plus strand). Cytogenetic location: 19q13.33.
Variant type: Deletion.
Coding change: c.1481del on transcript NM_017636.4 (MANE Select); coding-DNA position 1481, one base deleted (G; older notation c.1481delG).
Protein change: p.Gly494fs; shifts the reading frame from glycine 494.
Molecular consequence: frameshift variant. On other transcripts: 5 prime UTR variant (1).
Genome position (GRCh38, 1-based): chr19:49,182,795, G deleted; the last of 5 consecutive G bases (chr19:49,182,791-49,182,795); deleting any one gives the same sequence. VCF-style (leftmost placement, unchanged base first): chr19-49182790-AG-A. GRCh37 (hg19) VCF-style: chr19-49686047-AG-A.
Other names: c.1481del, p.Gly494fs (NM_001195227.2); c.1136del, p.Gly379fs (NM_001321281.2); c.-73del (NM_001321282.2); c.959del, p.Gly320fs (NM_001321283.2); c.419del, p.Gly140fs (NM_001321285.2); short protein forms G140fs, G494fs, G320fs, G379fs.
Identifiers: ClinVar variation 1440316 (VCV001440316.6), dbSNP rs2122936004, ClinGen allele CA2573156652.